The following is an entry in ClinVar:

ClinVar aggregate classification (germline): Uncertain significance (1 of 4 stars; one submission).

Conditions:
Cardiovascular phenotype. Identifiers: MedGen CN230736.

Submission:

Ambry Genetics
Classification: Uncertain significance for Cardiovascular phenotype. Last evaluated: 2024-11-27. Review status: criteria provided, single submitter. Criteria: Ambry Variant Classification Scheme 2023. Collection method: clinical testing. Allele origin: germline.
Comment: The p.A7T variant (also known as c.19G>A), located in coding exon 1 of the ANK2 gene, results from a G to A substitution at nucleotide position 19. The alanine at codon 7 is replaced by threonine, an amino acid with similar properties. This amino acid position is conserved. In addition, this alteration is predicted to be tolerated by in silico analysis. Based on the available evidence, the clinical significance of this variant remains unclear.

NM_001148.6(ANK2):c.19G>A (p.Ala7Thr)

Gene: ANK2 (ankyrin 2; plus strand). Cytogenetic location: 4q25.
Variant type: single nucleotide variant.
Coding change: c.19G>A on transcript NM_001148.6 (MANE Select); coding-DNA position 19, G replaced by A.
Protein change: p.Ala7Thr; replaces alanine 7 with threonine.
Molecular consequence: missense variant. On other transcripts: intron variant (43).
Genome position (GRCh38, 1-based): chr4:113,049,747, G>A. VCF-style: chr4-113049747-G-A. GRCh37 (hg19) VCF-style: chr4-113970903-G-A.
Other names: c.19G>A, p.Ala7Thr (NM_001354225.2, NM_001354228.2, NM_001354232.2 and 10 more transcripts); c.73-124669G>A (NM_001386186.2, NM_001386148.2, NM_001354269.3 and 1 more transcripts); c.22-101333G>A (NM_001386147.1, NM_001386160.1, NM_001354261.2); c.22-124669G>A (NM_001354254.2, NM_001354239.2, NM_001354252.2 and 33 more transcripts); short protein forms A7T.
Identifiers: ClinVar variation 3540609 (VCV003540609.1).